The following is an entry in ClinVar:

ClinVar aggregate classification (germline): Uncertain significance. Review status: criteria provided, multiple submitters, no conflicts (2 of 4 stars). 2 submissions from 2 submitters: Uncertain significance (2). Last evaluated 2026-07-10.

Conditions:
Hypertrophic cardiomyopathy. Also called: HYPERTROPHIC MYOCARDIOPATHY. Identifiers: Orphanet 217569, MedGen C0007194, MeSH D002312, MONDO:0005045, HP:0001639.

gnomAD v4.1: 8 of 1,611,608 alleles (0.0005%); highest among the groups gnomAD compares: Non-Finnish European, 0.00059%; no homozygotes.

Submissions (2):

Ambry Genetics
Classification: Uncertain significance. Last evaluated: 2026-07-10. Review status: criteria provided, single submitter. Criteria: Ambry Variant Classification Scheme 2023. Collection method: clinical testing. Allele origin: germline.
Comment: The p.H76Q variant (also known as c.228C>A), located in coding exon 1 of the MYOM1 gene, results from a C to A substitution at nucleotide position 228. The histidine at codon 76 is replaced by glutamine, an amino acid with highly similar properties. This amino acid position is conserved. In addition, this alteration is predicted to be tolerated by in silico analysis. Based on the available evidence, the clinical significance of this variant remains unclear.

Labcorp Genetics (formerly Invitae), Labcorp
Classification: Uncertain significance for Hypertrophic cardiomyopathy. Last evaluated: 2025-01-23. Review status: criteria provided, single submitter. Criteria: Invitae Variant Classification Sherloc (09022015). Collection method: clinical testing. Allele origin: germline.
Comment: This sequence change replaces histidine, which is basic and polar, with glutamine, which is neutral and polar, at codon 76 of the MYOM1 protein (p.His76Gln). This variant is not present in population databases (gnomAD no frequency). This variant has not been reported in the literature in individuals affected with MYOM1-related conditions. An algorithm developed to predict the effect of missense changes on protein structure and function (PolyPhen-2) suggests that this variant is likely to be tolerated. In summary, the available evidence is currently insufficient to determine the role of this variant in disease. Therefore, it has been classified as a Variant of Uncertain Significance.

NM_003803.4(MYOM1):c.228C>A (p.His76Gln)

Gene: MYOM1 (myomesin 1; minus strand). Cytogenetic location: 18p11.31.
Variant type: single nucleotide variant.
Coding change: c.228C>A on transcript NM_003803.4 (MANE Select); coding-DNA position 228, C replaced by A.
Protein change: p.His76Gln; replaces histidine 76 with glutamine.
Molecular consequence: missense variant.
Genome position (GRCh38, 1-based): chr18:3,214,996, G>T on the plus strand (C>A on the coding strand, the complement: MYOM1 is on the minus strand). VCF-style: chr18-3214996-G-T. GRCh37 (hg19) VCF-style: chr18-3214994-G-T.
Other names: c.228C>A, p.His76Gln (NM_019856.2); short protein forms H76Q.
Identifiers: ClinVar variation 3720062 (VCV003720062.3).